The following is an entry in ClinVar:

ClinVar aggregate classification (germline): Conflicting classifications of pathogenicity. Review status: criteria provided, conflicting classifications (1 of 4 stars). 2 submissions from 2 submitters: Uncertain significance (1); Likely benign (1). Last evaluated 2026-01-30.

Conditions:
Congenital contractural arachnodactyly (CCA). Also called: Beals-Hecht syndrome; BEALS SYNDROME; Arthrogryposis, distal, type 9. Identifiers: Orphanet 115, MedGen C0220668, MONDO:0007363, OMIM 121050.
Familial thoracic aortic aneurysm and aortic dissection (TAAD). Also called: Thoracic aortic aneurysms and dissections. Identifiers: Orphanet 91387, MedGen C4707243, MONDO:0019625.

Allele frequency attached by ClinVar (database versions not stated): TOPMed below 0.00001; gnomAD 0.00001; ExAC 0.00003.
gnomAD v4.1: 25 of 1,613,930 alleles (0.0015%); highest among the groups gnomAD compares: African/African-American, 0.0013%; no homozygotes.

Submissions (2):

Ambry Genetics
Classification: Uncertain significance for Familial thoracic aortic aneurysm and aortic dissection. Last evaluated: 2026-01-30. Review status: criteria provided, single submitter. Criteria: Ambry Variant Classification Scheme 2023. Collection method: clinical testing. Allele origin: germline.
Comment: The p.D2695N variant (also known as c.8083G>A), located in coding exon 63 of the FBN2 gene, results from a G to A substitution at nucleotide position 8083. The aspartic acid at codon 2695 is replaced by asparagine, an amino acid with highly similar properties. This amino acid position is highly conserved in available vertebrate species. In addition, the in silico prediction for this alteration is inconclusive. Based on the available evidence, the clinical significance of this variant remains unclear.

Labcorp Genetics (formerly Invitae), Labcorp
Classification: Likely benign for Congenital contractural arachnodactyly. Last evaluated: 2025-05-15. Review status: criteria provided, single submitter. Criteria: Invitae Variant Classification Sherloc (09022015). Collection method: clinical testing. Allele origin: germline.

NM_001999.4(FBN2):c.8083G>A (p.Asp2695Asn)

Gene: FBN2 (fibrillin 2; minus strand). Cytogenetic location: 5q23.3.
Variant type: single nucleotide variant.
Coding change: c.8083G>A on transcript NM_001999.4 (MANE Select); coding-DNA position 8083, G replaced by A.
Protein change: p.Asp2695Asn; replaces aspartic acid 2695 with asparagine.
Molecular consequence: missense variant.
Genome position (GRCh38, 1-based): chr5:128,263,534, C>T on the plus strand (G>A on the coding strand, the complement: FBN2 is on the minus strand). VCF-style: chr5-128263534-C-T. GRCh37 (hg19) VCF-style: chr5-127599226-C-T.
Other names: c.8083G>A (NM_001999.3); short protein forms D2695N.
Identifiers: ClinVar variation 3001621 (VCV003001621.4), dbSNP rs775607402, ClinGen allele CA3393932.